The following is an entry in ClinVar:

ClinVar aggregate classification (germline): Conflicting classifications of pathogenicity. Review status: criteria provided, conflicting classifications (1 of 4 stars). 11 submissions from 11 submitters: Uncertain significance (6); Likely benign (3). 2 of the submissions do not count toward it. Last evaluated 2025-11-03.

Conditions:
Hereditary cancer-predisposing syndrome. Also called: Tumor predisposition; Hereditary Cancer Syndrome; Hereditary neoplastic syndrome; Neoplastic Syndromes, Hereditary. Identifiers: Orphanet 140162, MedGen C0027672, MeSH D009386, MONDO:0015356.
Melanoma, cutaneous malignant, susceptibility to, 1 (CMM1). Also called: B-K MOLE SYNDROME; MELANOMA, MALIGNANT; DYSPLASTIC NEVUS SYNDROME, HEREDITARY; FAMILIAL ATYPICAL MOLE-MALIGNANT MELANOMA SYNDROME. Identifiers: Orphanet 618, MedGen C1835047, MONDO:0007963, OMIM 155600.
Peutz-Jeghers syndrome (PJS). Also called: POLYPOSIS, HAMARTOMATOUS INTESTINAL; POLYPS-AND-SPOTS SYNDROME; Peutz-Jeghers polyposis; Periorificial lentiginosis syndrome. Identifiers: Orphanet 2869, MedGen C0031269, MeSH D010580, MONDO:0008280, OMIM 175200.
Malignant tumor of breast. Also called: Cancer breast; Malignant breast neoplasm. Identifiers: MedGen C0006142, MONDO:0007254. Disease mechanism: loss of function.

Allele frequency attached by ClinVar (database versions not stated): gnomAD 0.00001; gnomAD exomes 0.00001; TOPMed 0.00001; ExAC 0.00002.
gnomAD v4.1: 6 of 1,598,064 alleles (0.00038%); highest among the groups gnomAD compares: Non-Finnish European, 0.00051%; no homozygotes.

Submissions (11):

Labcorp Genetics (formerly Invitae), Labcorp
Classification: Likely benign for Peutz-Jeghers syndrome. Last evaluated: 2025-11-03. Review status: criteria provided, single submitter. Criteria: Invitae Variant Classification Sherloc (09022015). Collection method: clinical testing. Allele origin: germline.

Quest Diagnostics Nichols Institute San Juan Capistrano
Classification: Uncertain significance. Last evaluated: 2024-08-12. Review status: criteria provided, single submitter. Criteria: Quest Diagnostics criteria. Collection method: clinical testing. Allele origin: unknown.
Comment: The STK11 c.976C>A (p.Pro326Thr) variant has been reported in the published literature as being likely benign in an individual with early-onset breast cancer (PMID: 25503501 (2015)). The frequency of this variant in the general population, 0.0000045 (1/222822 chromosomes (Genome Aggregation Database)), is uninformative in the assessment of its pathogenicity. Analysis of this variant using bioinformatics tools for the prediction of the effect of amino acid changes on protein structure and function yielded predictions that this variant is benign. Based on the available information, we are unable to determine the clinical significance of this variant.

Color Diagnostics, LLC DBA Color Health
Classification: Uncertain significance for Hereditary cancer-predisposing syndrome. Last evaluated: 2024-07-09. Review status: criteria provided, single submitter. Criteria: ACMG Guidelines, 2015. Collection method: clinical testing. Allele origin: germline.
Comment: This missense variant replaces proline with threonine at codon 326 of the STK11 protein. Computational prediction suggests that this variant may not impact protein structure and function. To our knowledge, functional studies have not been reported for this variant. This variant has been reported in an individual affected with early-onset breast cancer in the literature (PMID 25503501). This variant has not been identified in the general population by the Genome Aggregation Database (gnomAD). The available evidence is insufficient to determine the role of this variant in disease conclusively. Therefore, this variant is classified as a Variant of Uncertain Significance.

Baylor Genetics
Classification: Uncertain significance for Melanoma, cutaneous malignant, susceptibility to, 1. Last evaluated: 2023-09-07. Review status: criteria provided, single submitter. Criteria: ACMG Guidelines, 2015. Collection method: clinical testing. Allele origin: unknown.

GeneDx
Classification: Uncertain significance. Last evaluated: 2023-07-18. Review status: criteria provided, single submitter. Criteria: GeneDx Variant Classification Process June 2021. Collection method: clinical testing. Allele origin: germline. Affected: yes.
Comment: Not observed at significant frequency in large population cohorts (gnomAD); In silico analysis supports that this missense variant does not alter protein structure/function; Identified in an individual with early-onset breast cancer undergoing multi-gene hereditary cancer panel testing (Maxwell et al., 2016); This variant is associated with the following publications: (PMID: 25503501, 28900777)

All of Us Research Program, National Institutes of Health
Classification: Uncertain significance for Peutz-Jeghers syndrome. Last evaluated: 2023-05-16. Review status: criteria provided, single submitter. Criteria: ACMG Guidelines, 2015. Collection method: clinical testing. Allele origin: germline. Inheritance: Autosomal dominant inheritance. Observed: 2 variant alleles, 2 heterozygotes.
Comment: This missense variant replaces proline with threonine at codon 326 of the STK11 protein. Computational prediction suggests that this variant may not impact protein structure and function (internally defined REVEL score threshold <= 0.5, PMID: 27666373). To our knowledge, functional studies have not been reported for this variant. This variant has been reported in an individual affected with early-onset breast cancer in the literature (PMID 25503501). This variant has not been identified in the general population by the Genome Aggregation Database (gnomAD). The available evidence is insufficient to determine the role of this variant in disease conclusively. Therefore, this variant is classified as a Variant of Uncertain Significance.

This study involves interpretation of variants in research participants for the purpose of population health screening. Participant phenotype was not available at the time of variant classification. Additional details can be found in publication PMID: 35346344, PMCID: PMC8962531

Myriad Genetics, Inc.
Classification: Likely benign for Peutz-Jeghers syndrome. Last evaluated: 2023-04-12. Review status: criteria provided, single submitter. Criteria: Myriad Autosomal Dominant, Autosomal Recessive and X-Linked Classification Criteria (2023). Collection method: clinical testing. Allele origin: unknown.
Comment: This variant is considered likely benign. Homozygosity has been confirmed in one or more individuals. As homozygosity for pathogenic variants in this gene is generally assumed to result in embryonic lethality, this variant is unlikely to be pathogenic.

Ambry Genetics
Classification: Likely benign for Hereditary cancer-predisposing syndrome. Last evaluated: 2023-03-16. Review status: criteria provided, single submitter. Criteria: Ambry Variant Classification Scheme 2023. Collection method: clinical testing. Allele origin: germline.

Genome-Nilou Lab
Classification: Uncertain significance for Peutz-Jeghers syndrome. Last evaluated: 2021-07-15. Review status: criteria provided, single submitter. Criteria: ACMG Guidelines, 2015. Collection method: clinical testing. Allele origin: germline. Affected: no.

Counsyl
Classification: Uncertain significance for Peutz-Jeghers syndrome. Last evaluated: 2018-02-01. Review status: no assertion criteria provided. Collection method: clinical testing. Allele origin: unknown. Not counted in ClinVar's aggregate classification.

Department of Pathology and Laboratory Medicine, Sinai Health System
Classification: Uncertain significance for Malignant tumor of breast. Review status: no assertion criteria provided. Collection method: clinical testing. Allele origin: unknown. Affected: yes. Study: The Canadian Open Genetics Repository (COGR). Not counted in ClinVar's aggregate classification.
Comment: The STK11 p.Pro326Thr variant was identified in 1 of 556 proband chromosomes (frequency: 0.002) from individuals or families with early onset breast cancer (Maxwell 2015). The variant was also identified in dbSNP (ID: rs771632414) as "With Uncertain significance allele" and ClinVar (classified as uncertain significance by Invitae, Ambry Genetics, GeneDx, and two other submitters). The variant was not identified in the LOVD 3.0 database. The variant was identified in control databases in 1 of 219930 chromosomes at a frequency of 0.000005 (Genome Aggregation Database Feb 27, 2017). The variant was observed in the European population in 1 of 98674 chromosomes (freq: 0.00001), but was not observed in the African, Other, Latino, Ashkenazi Jewish, East Asian, Finnish, or South Asian populations. The p.Pro326 residue is not conserved in mammals and computational analyses (PolyPhen-2, SIFT, AlignGVGD, BLOSUM, MutationTaster) provide inconsistent predictions regarding the impact to the protein; this information is not very predictive of pathogenicity. The variant occurs outside of the splicing consensus sequence and in silico or computational prediction software programs (SpliceSiteFinder, MaxEntScan, NNSPLICE, GeneSplicer) do not predict a difference in splicing. In summary, based on the above information, the clinical significance of this variant cannot be determined with certainty at this time. This variant is classified as a variant of uncertain significance.

Literature cited by the submitters: PubMed 25503501 (cited by 4 submitters).

NM_000455.5(STK11):c.976C>A (p.Pro326Thr)

Gene: STK11 (serine/threonine kinase 11; plus strand). Cytogenetic location: 19p13.3.
Variant type: single nucleotide variant.
Coding change: c.976C>A on transcript NM_000455.5 (MANE Select); coding-DNA position 976, C replaced by A.
Protein change: p.Pro326Thr; replaces proline 326 with threonine.
Molecular consequence: missense variant.
Genome position (GRCh38, 1-based): chr19:1,223,040, C>A. VCF-style: chr19-1223040-C-A. GRCh37 (hg19) VCF-style: chr19-1223039-C-A.
Other names: short protein forms P326T.
Identifiers: ClinVar variation 184692 (VCV000184692.32), dbSNP rs771632414, ClinGen allele CA023391.